The following is an entry in ClinVar:

ClinVar aggregate classification (germline): Pathogenic/Likely pathogenic. Review status: criteria provided, multiple submitters, no conflicts (2 of 4 stars). 2 submissions from 2 submitters: Pathogenic (1); Likely pathogenic (1). Last evaluated 2024-12-12.

Conditions:
Autosomal dominant optic atrophy classic form (OPA1). Also called: Optic Atrophy Type 1; KJER-TYPE OPTIC ATROPHY; OPTIC ATROPHY, JUVENILE. Identifiers: Orphanet 98673, MedGen C0338508, MONDO:0008134, OMIM 165500.

Submissions (2):

Labcorp Genetics (formerly Invitae), Labcorp
Classification: Pathogenic. Last evaluated: 2024-12-12. Review status: criteria provided, single submitter. Criteria: Invitae Variant Classification Sherloc (09022015). Collection method: clinical testing. Allele origin: germline.
Comment: This sequence change creates a premature translational stop signal (p.Gln563*) in the OPA1 gene. It is expected to result in an absent or disrupted protein product. Loss-of-function variants in OPA1 are known to be pathogenic (PMID: 11440988, 20157015, 20952381, 25012220). This variant is not present in population databases (gnomAD no frequency). This premature translational stop signal has been observed in individual(s) with optic atrophy (PMID: 22857269, 34242285). ClinVar contains an entry for this variant (Variation ID: 1709100). For these reasons, this variant has been classified as Pathogenic.

MGZ Medical Genetics Center
Classification: Likely pathogenic for Autosomal dominant optic atrophy classic form. Last evaluated: 2022-01-03. Review status: criteria provided, single submitter. Criteria: ACMG Guidelines, 2015. Collection method: clinical testing. Allele origin: germline. Affected: yes. Observed: 1 variant allele.
Comment: ACMG criteria applied: PVS1, PM2_SUP

Literature cited by the submitters: PubMed 11440988 (cited by Labcorp Genetics (formerly Invitae), Labcorp); PubMed 20157015 (cited by Labcorp Genetics (formerly Invitae), Labcorp); PubMed 20952381 (cited by Labcorp Genetics (formerly Invitae), Labcorp); PubMed 25012220 (cited by Labcorp Genetics (formerly Invitae), Labcorp); PubMed 22857269 (cited by Labcorp Genetics (formerly Invitae), Labcorp); PubMed 34242285 (cited by Labcorp Genetics (formerly Invitae), Labcorp).

NM_130837.3(OPA1):c.1852C>T (p.Gln618Ter)

Genes: OPA1 (OPA1 mitochondrial dynamin like GTPase; plus strand), LOC126806913 (BRD4-independent group 4 enhancer GRCh37_chr3:193364377-193365576; plus strand). Cytogenetic location: 3q29.
Variant type: single nucleotide variant.
Coding change: c.1852C>T on transcript NM_130837.3 (MANE Select); coding-DNA position 1852, C replaced by T.
Protein change: p.Gln618Ter; replaces glutamine 618 with a stop codon.
Molecular consequence: nonsense.
Genome position (GRCh38, 1-based): chr3:193,647,162, C>T. VCF-style: chr3-193647162-C-T. GRCh37 (hg19) VCF-style: chr3-193364951-C-T.
Other names: c.1318C>T, p.Gln440Ter (NM_001354663.2); c.1315C>T, p.Gln439Ter (NM_001354664.2); c.1687C>T, p.Gln563Ter (NM_015560.3); c.1579C>T, p.Gln527Ter (NM_130831.3); c.1633C>T, p.Gln545Ter (NM_130832.3); c.1690C>T, p.Gln564Ter (NM_130833.3); c.1741C>T, p.Gln581Ter (NM_130834.3); c.1744C>T, p.Gln582Ter (NM_130835.3); and 1 more; short protein forms Q439*, Q440*, Q527*, Q545*, Q563*, Q564*, Q581*, Q582*.
Identifiers: ClinVar variation 1709100 (VCV001709100.4), dbSNP rs2474922093, ClinGen allele CA355790563.
Genomic context (GRCh38, chr3:193,647,162, plus strand): 5'-AATTTAAGCCTTGCAGTATCAGACTGCTTTTGGAAAATGGTACGAGAGTCTGTTGAACAA[C>T]AGGCTGATAGTTTCAAAGGTAAGTTGGATTTTTTAAAGAAGCAAGCAAATTAAGACATTT-3'